The following is an entry in ClinVar:

NM_003921.5(BCL10):c.695G>A (p.Arg232Gln)

Gene: BCL10 (BCL10 immune signaling adaptor; minus strand). Cytogenetic location: 1p22.3.
Variant type: single nucleotide variant.
Coding change: c.695G>A on transcript NM_003921.5 (MANE Select); coding-DNA position 695, G replaced by A.
Protein change: p.Arg232Gln; replaces arginine 232 with glutamine.
Molecular consequence: missense variant.
Genome position (GRCh38, 1-based): chr1:85,267,634, C>T on the plus strand (G>A on the coding strand, the complement: BCL10 is on the minus strand). VCF-style: chr1-85267634-C-T. GRCh37 (hg19) VCF-style: chr1-85733317-C-T.
Other names: c.662G>A, p.Arg221Gln (NM_001320715.2); short protein forms R221Q, R232Q.
Identifiers: ClinVar variation 1471908 (VCV001471908.3), dbSNP rs547793946, ClinGen allele CA929715.

ClinVar aggregate classification (germline): Uncertain significance (1 of 4 stars; one submission).

Conditions:
Immunodeficiency 37 (IMD37). Identifiers: MedGen C4015195, MONDO:0014491, OMIM 616098.

Allele frequency attached by ClinVar (database versions not stated): gnomAD exomes 0.00003 and 0.00008; TOPMed 0.00003; gnomAD 0.00004 and 0.00005; ExAC 0.00009; 1000 Genomes Project 30x 0.00016; 1000 Genomes Project 0.00020.
gnomAD v4.1: 50 of 1,579,312 alleles (0.0032%); highest among the groups gnomAD compares: East Asian, 0.034%; no homozygotes.

Submission:

Labcorp Genetics (formerly Invitae), Labcorp
Classification: Uncertain significance for Immunodeficiency 37. Last evaluated: 2021-10-29. Review status: criteria provided, single submitter. Criteria: Invitae Variant Classification Sherloc (09022015). Collection method: clinical testing. Allele origin: germline.
Comment: This sequence change replaces arginine, which is basic and polar, with glutamine, which is neutral and polar, at codon 232 of the BCL10 protein (p.Arg232Gln). This variant is present in population databases (rs547793946, gnomAD 0.08%). This variant has not been reported in the literature in individuals affected with BCL10-related conditions. Algorithms developed to predict the effect of missense changes on protein structure and function output the following: SIFT: "Tolerated"; PolyPhen-2: "Benign"; Align-GVGD: "Class C0". The glutamine amino acid residue is found in multiple mammalian species, which suggests that this missense change does not adversely affect protein function. In summary, the available evidence is currently insufficient to determine the role of this variant in disease. Therefore, it has been classified as a Variant of Uncertain Significance.